The following is an entry in ClinVar:

ClinVar aggregate classification (germline): Uncertain significance. Review status: criteria provided, multiple submitters, no conflicts (2 of 4 stars). 2 submissions from 2 submitters: Uncertain significance (2). Last evaluated 2020-01-31.

Conditions:
Congenital stationary night blindness 1D. Also called: Night blindness, congenital stationary (complete), 1D, autosomal recessive. Identifiers: Orphanet 215, MedGen C3151193, MONDO:0013450, OMIM 613830.

Allele frequency attached by ClinVar (database versions not stated): TOPMed below 0.00001; gnomAD exomes 0.00002 and 0.00003; ExAC 0.00004.
gnomAD v4.1: 30 of 1,613,802 alleles (0.0019%); highest among the groups gnomAD compares: Non-Finnish European, 0.0025%; no homozygotes.

Submissions (2):

Labcorp Genetics (formerly Invitae), Labcorp
Classification: Uncertain significance. Last evaluated: 2020-01-31. Review status: criteria provided, single submitter. Criteria: Invitae Variant Classification Sherloc (09022015). Collection method: clinical testing. Allele origin: germline.
Comment: In summary, the available evidence is currently insufficient to determine the role of this variant in disease. Therefore, it has been classified as a Variant of Uncertain Significance. Algorithms developed to predict the effect of missense changes on protein structure and function output the following: SIFT: "Tolerated"; PolyPhen-2: "Possibly Damaging"; Align-GVGD: "Class C0". The isoleucine amino acid residue is found in multiple mammalian species, suggesting that this missense change does not adversely affect protein function. These predictions have not been confirmed by published functional studies and their clinical significance is uncertain. This variant has not been reported in the literature in individuals with SLC24A1-related conditions. ClinVar contains an entry for this variant (Variation ID: 316793). This variant is present in population databases (rs746176031, ExAC 0.008%). This sequence change replaces threonine with isoleucine at codon 327 of the SLC24A1 protein (p.Thr327Ile). The threonine residue is weakly conserved and there is a moderate physicochemical difference between threonine and isoleucine.

Illumina Laboratory Services, Illumina
Classification: Uncertain significance for Congenital stationary night blindness 1D. Last evaluated: 2018-01-12. Review status: criteria provided, single submitter. Criteria: ICSL Variant Classification Criteria 13 December 2019. Collection method: clinical testing. Allele origin: germline.

NM_004727.3(SLC24A1):c.980C>T (p.Thr327Ile)

Gene: SLC24A1 (solute carrier family 24 member 1; plus strand). Cytogenetic location: 15q22.31.
Variant type: single nucleotide variant.
Coding change: c.980C>T on transcript NM_004727.3 (MANE Select); coding-DNA position 980, C replaced by T.
Protein change: p.Thr327Ile; replaces threonine 327 with isoleucine.
Molecular consequence: missense variant.
Genome position (GRCh38, 1-based): chr15:65,625,060, C>T. VCF-style: chr15-65625060-C-T. GRCh37 (hg19) VCF-style: chr15-65917398-C-T.
Other names: c.980C>T, p.Thr327Ile (NM_001301031.1, NM_001301032.1, NM_001301033.2); short protein forms T327I.
Identifiers: ClinVar variation 316793 (VCV000316793.12), dbSNP rs746176031, ClinGen allele CA7619833.
Genomic context (GRCh38, chr15:65,625,060, plus strand): 5'-CCCAGGGAACAGTCCTGTTGCATACCCCAGCCACCTCTGAGGGGCAGGTGACAATAAGCA[C>T]CATGACAGGCAGCAGCCCAGCAGAAACCAAAGCCTTCACTGCTGCCTGGAGTCTTAGGAA-3'
Protein context (NP_004718.1, residues 317-337): ATSEGQVTIS[Thr327Ile]MTGSSPAETK